The following is an entry in ClinVar:

NM_001086521.2(NDUFAF8):c.120G>T (p.Thr40=)

Gene: NDUFAF8 (NADH:ubiquinone oxidoreductase complex assembly factor 8; plus strand). Cytogenetic location: 17q25.3.
Variant type: single nucleotide variant.
Coding change: c.120G>T on transcript NM_001086521.2 (MANE Select); coding-DNA position 120, G replaced by T.
Protein change: p.Thr40=; no amino-acid change (threonine 40 retained).
Molecular consequence: synonymous variant. On other transcripts: 5 prime UTR variant (1).
Genome position (GRCh38, 1-based): chr17:81,239,603, G>T. VCF-style: chr17-81239603-G-T. GRCh37 (hg19) VCF-style: chr17-79213403-G-T.
Other names: c.120G>T, p.Thr40= (NM_001353402.1); c.-304G>T (NM_001353403.1).
Identifiers: ClinVar variation 3035285 (VCV003035285.2), dbSNP rs374420845, ClinGen allele CA8831205.
Genomic context (GRCh38, chr17:81,239,603, plus strand): 5'-CGACCCACGCCCGTCCTTTCCGCAGGCCGCGGCGTACGGCAGGTGCGTGCAGGCCTCCAC[G>T]GCCCCGGGCGGCCGCCTGAGTAAGGACTTCTGCGCGCGGGAGTTCGAGGCCCTGCGGAGC-3'
Protein context (NP_001079990.1, residues 30-50): AAYGRCVQAS[Thr40=]APGGRLSKDF

ClinVar aggregate classification (germline): Likely benign (0 of 4 stars; one submission).

Conditions:
NDUFAF8-related disorder. Also called: NDUFAF8-related condition.

Allele frequency attached by ClinVar (database versions not stated): ExAC 0.00035; ESP Exome Variant Server 0.00064; gnomAD 0.00064; TOPMed 0.00086; 1000 Genomes Project 0.00100; 1000 Genomes Project 30x 0.00156.
gnomAD v4.1: 181 of 1,538,754 alleles (0.012%); highest among the groups gnomAD compares: African/African-American, 0.23%; 1 homozygote.

Submission:

PreventionGenetics, part of Exact Sciences
Classification: Likely benign for NDUFAF8-related condition. Last evaluated: 2020-07-14. Review status: no assertion criteria provided. Collection method: clinical testing. Allele origin: germline.
Comment: This variant is classified as likely benign based on ACMG/AMP sequence variant interpretation guidelines (Richards et al. 2015 PMID: 25741868, with internal and published modifications).